The following is an entry in ClinVar:

NM_000514.4(GDNF):c.*2713G>A

Gene: GDNF (glial cell derived neurotrophic factor; minus strand). Cytogenetic location: 5p13.2.
Variant type: single nucleotide variant.
Coding change: c.*2713G>A on transcript NM_000514.4 (MANE Select); 2713 bases downstream of the stop codon, G replaced by A.
Molecular consequence: 3 prime UTR variant.
Genome position (GRCh38, 1-based): chr5:37,812,938, C>T on the plus strand (G>A on the coding strand, the complement: GDNF is on the minus strand). VCF-style: chr5-37812938-C-T. GRCh37 (hg19) VCF-style: chr5-37813040-C-T.
Other names: c.*2713G>A (NM_001190468.1, NM_001190469.1, NM_001278098.1 and 1 more transcripts).
Identifiers: ClinVar variation 353474 (VCV000353474.5), dbSNP rs143311673, ClinGen allele CA10620368.

ClinVar aggregate classification (germline): Benign (1 of 4 stars; one submission).

Conditions:
Hirschsprung disease, susceptibility to, 3. Identifiers: Orphanet 388, MedGen C3150974, MONDO:0013383, OMIM 613711.

Allele frequency attached by ClinVar (database versions not stated): gnomAD 0.00685 and 0.00725; TOPMed 0.00796; 1000 Genomes Project 30x 0.01156; 1000 Genomes Project 0.01218.

Submission:

Illumina Laboratory Services, Illumina
Classification: Benign for Hirschsprung disease, susceptibility to, 3. Last evaluated: 2018-01-12. Review status: criteria provided, single submitter. Criteria: ICSL Variant Classification Criteria 13 December 2019. Collection method: clinical testing. Allele origin: germline.
Comment: This variant was observed in the ICSL laboratory as part of a predisposition screen in an ostensibly healthy population. It had not been previously curated by ICSL or reported in the Human Gene Mutation Database (HGMD: prior to June 1st, 2018), and was therefore a candidate for classification through an automated scoring system. Utilizing variant allele frequency, disease prevalence and penetrance estimates, and inheritance mode, an automated score was calculated to assess if this variant is too frequent to cause the disease. Based on the score and internal cut-off values, a variant classified as benign is not then subjected to further curation. The score for this variant resulted in a classification of benign for this disease.